The following is an entry in ClinVar:

ClinVar aggregate classification (germline): Likely pathogenic (1 of 4 stars; one submission).

Conditions:
Nemaline myopathy 2 (NEM2). Also called: Nemaline myopathy 2, autosomal recessive. Identifiers: MedGen C1850569, MONDO:0009725, OMIM 256030.

Submission:

3billion
Classification: Likely pathogenic for Nemaline myopathy 2. Last evaluated: 2024-09-12. Review status: criteria provided, single submitter. Criteria: ACMG Guidelines, 2015. Collection method: clinical testing. Allele origin: germline. Affected: yes.
Comment: The variant is not observed in the gnomAD v4.0.0 dataset. Predicted Consequence/Location: Frameshift: predicted to result in a loss or disruption of normal protein function through nonsense-mediated decay (NMD) or protein truncation. Multiple pathogenic variants are reported downstream of the variant. Therefore, this variant is classified as Likely pathogenic according to the recommendation of ACMG/AMP guideline.

NM_001164508.2(NEB):c.9959_9968del (p.Lys3320fs)

Gene: NEB (nebulin; minus strand). Cytogenetic location: 2q23.3.
Variant type: Deletion.
Coding change: c.9959_9968del on transcript NM_001164508.2 (MANE Select); coding-DNA positions 9959 to 9968, 10 bases deleted (AGGACTTTGA; older notation c.9959_9968delAGGACTTTGA).
Protein change: p.Lys3320fs; shifts the reading frame from lysine 3320.
Molecular consequence: frameshift variant.
Genome position (GRCh38, 1-based): chr2:151,627,698-151,627,707, TCAAAGTCCT deleted on the plus strand (AGGACTTTGA on the coding strand, the reverse complement: NEB is on the minus strand); deleting any 10 consecutive bases within chr2:151,627,698-151,627,709 gives the same sequence; the c. name uses the placement nearest the transcript's 3' end. VCF-style (leftmost placement, unchanged base first): chr2-151627697-CTCAAAGTCCT-C. GRCh37 (hg19) VCF-style: chr2-152484211-CTCAAAGTCCT-C.
Other names: c.9959_9968del, p.Lys3320fs (NM_001164507.2, NM_001271208.2); c.9230_9239del, p.Lys3077fs (NM_004543.5); short protein forms K3077fs, K3320fs.
Identifiers: ClinVar variation 4292826 (VCV004292826.1).